The following is an entry in ClinVar:

NM_001164508.2(NEB):c.19400G>C (p.Cys6467Ser)

Gene: NEB (nebulin; minus strand). Cytogenetic location: 2q23.3.
Variant type: single nucleotide variant.
Coding change: c.19400G>C on transcript NM_001164508.2 (MANE Select); coding-DNA position 19400, G replaced by C.
Protein change: p.Cys6467Ser; replaces cysteine 6467 with serine.
Molecular consequence: missense variant.
Genome position (GRCh38, 1-based): chr2:151,554,959, C>G on the plus strand (G>C on the coding strand, the complement: NEB is on the minus strand). VCF-style: chr2-151554959-C-G. GRCh37 (hg19) VCF-style: chr2-152411473-C-G.
Other names: c.19400G>C, p.Cys6467Ser (NM_001164507.2, NM_001271208.2); c.14297G>C, p.Cys4766Ser (NM_004543.5); short protein forms C4766S, C6467S.
Identifiers: ClinVar variation 656708 (VCV000656708.3), dbSNP rs1577306997, ClinGen allele CA348792215.

ClinVar aggregate classification (germline): Uncertain significance (1 of 4 stars; one submission).

Conditions:
Nemaline myopathy 2 (NEM2). Also called: Nemaline myopathy 2, autosomal recessive. Identifiers: MedGen C1850569, MONDO:0009725, OMIM 256030.

Allele frequency attached by ClinVar (database versions not stated): TOPMed 0.00001.

Submission:

Labcorp Genetics (formerly Invitae), Labcorp
Classification: Uncertain significance for Nemaline myopathy 2. Last evaluated: 2022-07-19. Review status: criteria provided, single submitter. Criteria: Invitae Variant Classification Sherloc (09022015). Collection method: clinical testing. Allele origin: germline.
Comment: This sequence change replaces cysteine, which is neutral and slightly polar, with serine, which is neutral and polar, at codon 6467 of the NEB protein (p.Cys6467Ser). This variant is not present in population databases (gnomAD no frequency). This variant has not been reported in the literature in individuals affected with NEB-related conditions. ClinVar contains an entry for this variant (Variation ID: 656708). Algorithms developed to predict the effect of missense changes on protein structure and function are either unavailable or do not agree on the potential impact of this missense change (SIFT: "Deleterious"; PolyPhen-2: "Not Available"; Align-GVGD: "Class C0"). In summary, the available evidence is currently insufficient to determine the role of this variant in disease. Therefore, it has been classified as a Variant of Uncertain Significance.